The following is an entry in ClinVar:

ClinVar aggregate classification (germline): Uncertain significance (1 of 4 stars; one submission).

Submission:

Dasa
Classification: Uncertain significance. Last evaluated: 2025-04-08. Review status: criteria provided, single submitter. Criteria: DASA Assertion Criteria. Collection method: clinical testing. Allele origin: germline.
Comment: NM_004006.3(DMD):c.9807+6T>G is a splice-region variant predicted to affect normal RNA splicing. This variant is absent from population databases. Computational prediction algorithms are consistent with a deleterious effect. The currently available literature and clinical evidence are not sufficient to establish a definitive association between this variant and the reported condition. Therefore, this variant is classified as a variant of uncertain significance.

NM_004006.3(DMD):c.9807+6T>G

Gene: DMD (dystrophin; minus strand). Cytogenetic location: Xp21.2.
Variant type: single nucleotide variant.
Coding change: c.9807+6T>G on transcript NM_004006.3 (MANE Select); 6 bases into the intron after coding-DNA position 9807, T replaced by G.
Molecular consequence: intron variant.
Genome position (GRCh38, 1-based): chrX:31,203,955, A>C on the plus strand (T>G on the coding strand, the complement: DMD is on the minus strand). VCF-style: chrX-31203955-A-C. GRCh37 (hg19) VCF-style: chrX-31222072-A-C.
Other names: c.9783+6T>G (NM_000109.4); c.5784+6T>G (NM_004011.4); c.5775+6T>G (NM_004012.4); c.2427+6T>G (NM_004023.3, NM_004020.4, NM_004022.3 and 2 more transcripts); c.1620+6T>G (NM_004014.3); c.603+6T>G (NM_004018.3, NM_004017.3, NM_004016.3 and 2 more transcripts); c.9795+6T>G (NM_004009.3); c.9438+6T>G (NM_004010.3).
Identifiers: ClinVar variation 4882448 (VCV004882448.2).